The following is an entry in ClinVar:

NM_133497.4(KCNV2):c.710G>C (p.Arg237Pro)

Gene: KCNV2 (potassium voltage-gated channel modifier subfamily V member 2; plus strand). Cytogenetic location: 9p24.2.
Variant type: single nucleotide variant.
Coding change: c.710G>C on transcript NM_133497.4 (MANE Select); coding-DNA position 710, G replaced by C.
Protein change: p.Arg237Pro; replaces arginine 237 with proline.
Molecular consequence: missense variant.
Genome position (GRCh38, 1-based): chr9:2,718,449, G>C. VCF-style: chr9-2718449-G-C. GRCh37 (hg19) VCF-style: chr9-2718449-G-C.
Other names: short protein forms R237P.
Identifiers: ClinVar variation 1995669 (VCV001995669.4), dbSNP rs1348397263, ClinGen allele CA372798833.

ClinVar aggregate classification (germline): Uncertain significance (1 of 4 stars; one submission).

Submission:

Labcorp Genetics (formerly Invitae), Labcorp
Classification: Uncertain significance. Last evaluated: 2022-05-20. Review status: criteria provided, single submitter. Criteria: Invitae Variant Classification Sherloc (09022015). Collection method: clinical testing. Allele origin: germline.
Comment: In summary, the available evidence is currently insufficient to determine the role of this variant in disease. Therefore, it has been classified as a Variant of Uncertain Significance. Algorithms developed to predict the effect of missense changes on protein structure and function are either unavailable or do not agree on the potential impact of this missense change (SIFT: "Deleterious"; PolyPhen-2: "Probably Damaging"; Align-GVGD: "Class C0"). This variant has not been reported in the literature in individuals affected with KCNV2-related conditions. This variant is not present in population databases (gnomAD no frequency). This sequence change replaces arginine, which is basic and polar, with proline, which is neutral and non-polar, at codon 237 of the KCNV2 protein (p.Arg237Pro).